The following is an entry in ClinVar:

NM_207015.3(NAALADL2):c.373G>A (p.Val125Ile)

Genes: NAALADL2 (N-acetylated alpha-linked acidic dipeptidase like 2; plus strand), NAALADL2-AS3 (NAALADL2 antisense RNA 3; minus strand). Cytogenetic location: 3q26.31.
Variant type: single nucleotide variant.
Coding change: c.373G>A on transcript NM_207015.3 (MANE Select); coding-DNA position 373, G replaced by A.
Protein change: p.Val125Ile; replaces valine 125 with isoleucine.
Molecular consequence: missense variant.
Genome position (GRCh38, 1-based): chr3:175,097,119, G>A. VCF-style: chr3-175097119-G-A. GRCh37 (hg19) VCF-style: chr3-174814909-G-A.
Other names: short protein forms V125I.
Identifiers: ClinVar variation 2654282 (VCV002654282.24), dbSNP rs150099163, ClinGen allele CA2709017.

ClinVar aggregate classification (germline): Likely benign (1 of 4 stars; one submission).

Allele frequency attached by ClinVar (database versions not stated): 1000 Genomes Project 30x 0.00234; 1000 Genomes Project 0.00260; gnomAD 0.00267; TOPMed 0.00278; ESP Exome Variant Server 0.00345; ExAC 0.00376.
gnomAD v4.1: 7,486 of 1,613,652 alleles (0.46%); highest among the groups gnomAD compares: Middle Eastern, 2%; 48 homozygotes.

Submission:

CeGaT Center for Human Genetics Tuebingen
Classification: Likely benign. Last evaluated: 2023-05-01. Review status: criteria provided, single submitter. Criteria: CeGaT Center For Human Genetics Tuebingen Variant Classification Criteria Version 2. Collection method: clinical testing. Allele origin: germline. Affected: yes. Observed: 1 variant allele.
Comment: NAALADL2: BP4, BS2